The following is an entry in ClinVar:

NM_001854.4(COL11A1):c.2610+18G>A

Gene: COL11A1 (collagen type XI alpha 1 chain; minus strand). Cytogenetic location: 1p21.1.
Variant type: single nucleotide variant.
Coding change: c.2610+18G>A on transcript NM_001854.4 (MANE Select); 18 bases into the intron after coding-DNA position 2610, G replaced by A.
Molecular consequence: intron variant.
Genome position (GRCh38, 1-based): chr1:102,979,364, C>T on the plus strand (G>A on the coding strand, the complement: COL11A1 is on the minus strand). VCF-style: chr1-102979364-C-T. GRCh37 (hg19) VCF-style: chr1-103444920-C-T.
Other names: c.2493+18G>A (NM_001190709.2); c.2646+18G>A (NM_080629.3); c.2262+18G>A (NM_080630.4).
Identifiers: ClinVar variation 682446 (VCV000682446.9), dbSNP rs750906344, ClinGen allele CA974363.

ClinVar aggregate classification (germline): Likely benign. Review status: criteria provided, multiple submitters, no conflicts (2 of 4 stars). 3 submissions from 3 submitters: Likely benign (3). Last evaluated 2025-12-17.

Allele frequency attached by ClinVar (database versions not stated): ExAC 0.00002; gnomAD exomes 0.00002 and 0.00004; gnomAD 0.00003 and 0.00004; TOPMed 0.00005.
gnomAD v4.1: 66 of 1,589,048 alleles (0.0042%); highest among the groups gnomAD compares: Non-Finnish European, 0.0056%; no homozygotes.

Submissions (3):

Labcorp Genetics (formerly Invitae), Labcorp
Classification: Likely benign. Last evaluated: 2025-12-17. Review status: criteria provided, single submitter. Criteria: Invitae Variant Classification Sherloc (09022015). Collection method: clinical testing. Allele origin: germline.

Blueprint Genetics
Classification: Likely benign. Last evaluated: 2022-09-22. Review status: criteria provided, single submitter. Criteria: ACMG Guidelines, 2015. Collection method: clinical testing. Allele origin: germline.

GeneDx
Classification: Likely benign. Last evaluated: 2018-05-01. Review status: criteria provided, single submitter. Criteria: GeneDx Variant Classification (06012015). Collection method: clinical testing. Allele origin: germline. Affected: yes.
Comment: This variant is considered likely benign or benign based on one or more of the following criteria: it is a conservative change, it occurs at a poorly conserved position in the protein, it is predicted to be benign by multiple in silico algorithms, and/or has population frequency not consistent with disease.